The following is an entry in ClinVar:

ClinVar aggregate classification (germline): Uncertain significance (1 of 4 stars; one submission).

gnomAD v4.1: 2 of 1,614,060 alleles (0.00012%); no homozygotes.

Submissions (2):

GeneDx
Classification: Uncertain significance. Last evaluated: 2024-10-06. Review status: criteria provided, single submitter. Criteria: GeneDx Variant Classification Process June 2021. Collection method: clinical testing. Allele origin: germline. Affected: yes.
Comment: Not observed at significant frequency in large population cohorts (gnomAD); In silico analysis indicates that this missense variant does not alter protein structure/function; Has not been previously published as pathogenic or benign to our knowledge

Dr. Peter K. Rogan Lab, Western University
No classification provided (evidence only). Condition: Lung cancer. Review status: no classification provided. Collection method: in vitro. Allele origin: not applicable. Functional consequence: retained intron. Not counted in ClinVar's aggregate classification.

NM_015215.4(CAMTA1):c.599A>G (p.Asn200Ser)

Gene: CAMTA1 (calmodulin binding transcription activator 1; plus strand). Cytogenetic location: 1p36.23.
Variant type: single nucleotide variant.
Coding change: c.599A>G on transcript NM_015215.4 (MANE Select); coding-DNA position 599, A replaced by G.
Protein change: p.Asn200Ser; replaces asparagine 200 with serine.
Molecular consequence: missense variant.
Genome position (GRCh38, 1-based): chr1:7,640,488, A>G. VCF-style: chr1-7640488-A-G. GRCh37 (hg19) VCF-style: chr1-7700548-A-G.
Other names: NC_000001.10:g.7700548A>G; c.509A>G, p.Asn170Ser (NM_001349608.2, NM_001349612.2); c.599A>G, p.Asn200Ser (NM_001349609.2, NM_001349610.2, NM_001410737.1); c.527A>G, p.Asn176Ser (NM_001410738.1); short protein forms N170S, N176S, N200S.
Identifiers: ClinVar variation 3776631 (VCV003776631.2).